The following is an entry in ClinVar:

NM_001144888.2(BAIAP2):c.1535+553G>A

Gene: BAIAP2 (BAR/IMD domain containing adaptor protein 2; plus strand). Cytogenetic location: 17q25.3.
Variant type: single nucleotide variant.
Coding change: c.1535+553G>A on transcript NM_001144888.2 (MANE Select); 553 bases into the intron after coding-DNA position 1535, G replaced by A.
Molecular consequence: intron variant. On other transcripts: 3 prime UTR variant (13), non-coding transcript variant (6).
Genome position (GRCh38, 1-based): chr17:81,109,062, G>A. VCF-style: chr17-81109062-G-A. GRCh37 (hg19) VCF-style: chr17-79082862-G-A.
Other names: c.1535+553G>A (NM_017451.3, NM_001385127.1, NM_001385128.1 and 2 more transcripts); c.1637+553G>A (NM_001385135.1); c.1634+553G>A (NM_001385136.1, NM_001385130.1, NM_001385132.1 and 1 more transcripts); c.1538+553G>A (NM_001385141.1, NM_001385138.1); c.*4+553G>A (NM_001385145.1); c.1536-101G>A (NM_001385131.1); c.1361+553G>A (NM_001385147.1); c.1304+553G>A (NM_001385151.1); and 4 more.
Identifiers: ClinVar variation 2507411 (VCV002507411.1), dbSNP rs11664, ClinGen allele CA14413628.

ClinVar aggregate classification (germline): Uncertain significance (1 of 4 stars; one submission).

Conditions:
Attention deficit hyperactivity disorder (ADHD). Also called: Attention-Deficit/Hyperactivity Disorder. Identifiers: MedGen C1263846, MONDO:0007743, HP:0007018.

Allele frequency attached by ClinVar (database versions not stated): ESP Exome Variant Server 0.25329; gnomAD exomes 0.27183; 1000 Genomes Project 30x 0.27498; 1000 Genomes Project 0.28355; gnomAD 0.25165; TOPMed 0.25820.
gnomAD v4.1: 407,414 of 1,507,410 alleles (27%); highest among the groups gnomAD compares: East Asian, 44%; 56,509 homozygotes.

Submission:

Clinical Genomics, Uppaluri K&H Personalized Medicine Clinic
Classification: Uncertain significance for Attention deficit hyperactivity disorder. Review status: criteria provided, single submitter. Criteria: K &amp; H Uppaluri Personalized Medicine Clinic Variant Classification &amp; Assertion Criteria_Updated V.1. Collection method: clinical testing. Allele origin: germline. Affected: yes. Observed: 1 homozygote.
Comment: Gene Variants in BAIAP2 have been studied in several populations and are known to cause ADHD. Potent variants of this gene prevent neuronal growth, maturation and survival, essential for proper functioning of frontal cortical and subcortical circuits. However, more clinical evidence is required to confer the association of this particular variant rs11664 with Attention-deficit hyperactivity disorder.

Literature cited by the submitters: PubMed 24377651; PubMed 19733838; PubMed 27217152.